The following is an entry in ClinVar:

NM_000492.4(CFTR):c.1558G>T (p.Val520Phe)

Genes: CFTR (CF transmembrane conductance regulator; plus strand), CFTR-AS1 (CFTR antisense RNA 1; minus strand). Cytogenetic location: 7q31.2.
Variant type: single nucleotide variant.
Coding change: c.1558G>T on transcript NM_000492.4 (MANE Select); coding-DNA position 1558, G replaced by T.
Protein change: p.Val520Phe; replaces valine 520 with phenylalanine.
Molecular consequence: missense variant.
Genome position (GRCh38, 1-based): chr7:117,559,629, G>T. VCF-style: chr7-117559629-G-T. GRCh37 (hg19) VCF-style: chr7-117199683-G-T.
Other names: short protein forms V520F.
Identifiers: ClinVar variation 7150 (VCV000007150.40), dbSNP rs77646904, ClinGen allele CA325545.

ClinVar aggregate classification (germline): Pathogenic. Review status: reviewed by expert panel (3 of 4 stars). 15 submissions from 14 submitters: Pathogenic (1). 14 of the submissions do not count toward it. Last evaluated 2017-03-17.

Conditions:
CFTR-related disorder (CFTR-RD). Also called: CFTR-related condition; CFTR-related disorders. Identifiers: MedGen C5924204, MONDO:7770004.
Cystic fibrosis (CF). Also called: MUCOVISCIDOSIS. Identifiers: Orphanet 586, MedGen C0010674, MONDO:0009061, OMIM 219700. Disease mechanism: loss of function.
Congenital bilateral aplasia of vas deferens from CFTR mutation (CBAVD). Identifiers: Orphanet 48, MedGen C0403814, MONDO:0010178, OMIM 277180. Disease mechanism: loss of function.
Bronchiectasis with or without elevated sweat chloride 1 (BESC1). Also called: Cystic Fibrosis-Like Syndrome. Identifiers: Orphanet 60033, MedGen C2749757, MONDO:0008887, OMIM 211400.

gnomAD v4.1: 43 of 1,613,014 alleles (0.0027%); highest among the groups gnomAD compares: Non-Finnish European, 0.0033%; no homozygotes.

Submissions (15):

CFTR2
Classification: Pathogenic for Cystic fibrosis. Last evaluated: 2017-03-17. Review status: reviewed by expert panel. Criteria: Sosnay PR et al. (Nat Genet 2013). Collection method: research. Allele origin: germline. Affected: yes. Study: CFTR2.

Labcorp Genetics (formerly Invitae), Labcorp
Classification: Pathogenic for Cystic fibrosis. Last evaluated: 2025-10-13. Review status: criteria provided, single submitter. Criteria: Invitae Variant Classification Sherloc (09022015). Collection method: clinical testing. Allele origin: germline. Not counted in ClinVar's aggregate classification.
Comment: This sequence change replaces valine, which is neutral and non-polar, with phenylalanine, which is neutral and non-polar, at codon 520 of the CFTR protein (p.Val520Phe). This variant is present in population databases (rs77646904, gnomAD 0.002%). This missense change has been observed in individuals with cystic fibrosis (PMID: 1284466, 1376016, 22658665, 23974870). ClinVar contains an entry for this variant (Variation ID: 7150). Invitae Evidence Modeling of protein sequence and biophysical properties (such as structural, functional, and spatial information, amino acid conservation, physicochemical variation, residue mobility, and thermodynamic stability) indicates that this missense variant is expected to disrupt CFTR protein function with a positive predictive value of 80%. Experimental studies have shown that this missense change affects CFTR function (PMID: 23891399, 23974870). For these reasons, this variant has been classified as Pathogenic.

Victorian Clinical Genetics Services, Murdoch Childrens Research Institute
Classification: Pathogenic for Cystic fibrosis. Last evaluated: 2025-01-22. Review status: criteria provided, single submitter. Criteria: ACMG Guidelines, 2015. Collection method: clinical testing. Allele origin: germline. Affected: no. Not counted in ClinVar's aggregate classification.
Comment: This variant is classified as Pathogenic. Evidence in support of pathogenic classification: Variant is present in gnomAD <0.01 for a recessive condition (v4: 43 heterozygote(s), 0 homozygote(s)); This variant has strong previous evidence of pathogenicity in unrelated individuals. This variant has been classified as pathogenic by multiple clinical laboratories and has a pathogenic classification by the CFTR2 expert panel (ClinVar). Additional information: Variant is predicted to result in a missense amino acid change from valine to phenylalanine; This variant is heterozygous; This gene is associated with autosomal recessive disease; Alternative amino acid change(s) at the same position are present in gnomAD (Highest allele count: v4: 184 heterozygote(s), 0 homozygote(s)) ; Variant is located in the annotated ABC transporter domain (DECIPHER); Loss of function is a known mechanism of disease in this gene and is associated with cystic fibrosis (CF) (MIM#219700); Inheritance information for this variant is not currently available in this individual.

ARUP Laboratories, Molecular Genetics and Genomics, ARUP Laboratories
Classification: Pathogenic for Cystic fibrosis. Last evaluated: 2024-08-13. Review status: criteria provided, single submitter. Criteria: ARUP Molecular Germline Variant Investigation Process 2024. Collection method: clinical testing. Allele origin: germline. Not counted in ClinVar's aggregate classification.
Comment: The CFTR c.1558G>T; p.Val520Phe variant (rs77646904, ClinVar Variation ID: 7150) is reported in over 100 cystic fibrosis individuals with an average sweat chloride of 101mEq/L and 92% of these individuals reported to be pancreatic insufficient (see CFTR2 database). This variant is only found on two alleles in the Genome Aggregation Database (v2.1.1), indicating it is not a common polymorphism. Computational analyses predict that this variant is deleterious (REVEL: 0.871). In support of these predictions, functional analyses demonstrate an effect of this variant on CFTR quantity and function (see CFTR2 database, Avramescu 2017, Van Goor 2014). Based on available information, this variant is considered to be pathogenic. References: Link to CFTR2 database: Avramescu RG et al. Mutation-specific downregulation of CFTR2 variants by gating potentiators. Hum Mol Genet. 2017 Dec 15;26(24):4873-4885. PMID: 29040544. Van Goor F et al. Effect of ivacaftor on CFTR forms with missense mutations associated with defects in protein processing or function. J Cyst Fibros. 2014 Jan;13(1):29-36. PMID: 23891399.

Natera, Inc.
Classification: Pathogenic for CFTR-related disorders. Last evaluated: 2024-07-27. Review status: criteria provided, single submitter. Criteria: Natera Variant Classification Schema (03/2026). Collection method: clinical testing. Allele origin: germline. Not counted in ClinVar's aggregate classification.
Comment: The c.1558G>T variant in CFTR is a missense variant predicted to cause substitution of valine to phenylalanine at amino acid 520. This variant is rare in the general population with a frequency below the threshold expected for the associated phenotype(s). This variant has been observed in one or more individuals affected with the associated recessive disease, as either homozygous or compound heterozygous with a second variant (PMID: 30888834). Given the available evidence, this variant is classified as Pathogenic.

Ambry Genetics
Classification: Pathogenic for Cystic fibrosis. Last evaluated: 2023-12-20. Review status: criteria provided, single submitter. Criteria: Ambry Variant Classification Scheme 2023. Collection method: clinical testing. Allele origin: germline. Not counted in ClinVar's aggregate classification.
Comment: The c.1558G>T (p.V520F) alteration is located in exon 11 (coding exon 11) of the CFTR gene. This alteration results from a G to T substitution at nucleotide position 1558, causing the valine (V) at amino acid position 520 to be replaced by a phenylalanine (F). Based on data from gnomAD, the T allele has an overall frequency of 0.001% (2/282480) total alleles studied. The highest observed frequency was 0.002% (2/128982) of European (non-Finnish) alleles. This variant was first identified in 3 out of 42 cystic fibrosis chromosomes (Jones, 1992). Additionally, this variant is associated with elevated sweat chloride levels and pancreatic insufficiency (Sosnay, 2013). This amino acid position is well conserved in available vertebrate species. Functional studies found that this mutation results in very low levels of mature CFTR protein and little to no chloride conductance (Sosnay, 2013; Van Goor, 2014; Hirtz, 2004). This alteration is predicted to be deleterious by in silico analysis. Based on the available evidence, this alteration is classified as pathogenic.

Baylor Genetics
Classification: Pathogenic for Bronchiectasis with or without elevated sweat chloride 1. Last evaluated: 2023-10-04. Review status: criteria provided, single submitter. Criteria: ACMG Guidelines, 2015. Collection method: clinical testing. Allele origin: unknown. Not counted in ClinVar's aggregate classification.

PreventionGenetics, part of Exact Sciences
Classification: Pathogenic for CFTR-related condition. Last evaluated: 2023-05-22. Review status: criteria provided, single submitter. Criteria: ACMG Guidelines, 2015. Collection method: clinical testing. Allele origin: germline. Not counted in ClinVar's aggregate classification.
Comment: The CFTR c.1558G>T variant is predicted to result in the amino acid substitution p.Val520Phe. This variant has been reported in multiple individuals with cystic fibrosis (see for example, Jones et al 1992. PubMed ID: 1284466; Van Goor et al 2013. PubMed ID: 23891399). An in vitro experimental study suggests this variant diminishes expression of the CFTR protein (Avramescu et al 2017. PubMed ID: 29040544). This variant is reported in 0.0016% of alleles in individuals of European (Non-Finnish) descent in gnomAD and has been interpreted by multiple laboratories in ClinVar as pathogenic. This variant is interpreted as pathogenic.

Myriad Genetics, Inc.
Classification: Pathogenic for Cystic fibrosis. Last evaluated: 2019-12-04. Review status: criteria provided, single submitter. Criteria: Myriad Women's Health Autosomal Recessive and X-Linked Classification Criteria (2019). Collection method: clinical testing. Allele origin: unknown. Not counted in ClinVar's aggregate classification.
Comment: NM_000492.3(CFTR):c.1558G>T(V520F) is classified as pathogenic in the context of cystic fibrosis and is associated with classic disease. Sources cited for classification include the following: PMID 1284466, 23974870 and 18456578. Classification of NM_000492.3(CFTR):c.1558G>T(V520F) is based on the following criteria: This is a well-established pathogenic variant in the literature that has been observed more frequently in patients with clinical diagnoses than in healthy populations. Please note: this variant was assessed in the context of healthy population screening.

CFTR-France
Classification: Pathogenic for cystic fibrosis. Last evaluated: 2018-01-29. Review status: criteria provided, single submitter. Criteria: Claustres M et al. (Hum Mutat 2017). Collection method: curation. Allele origin: germline. Affected: yes. Not counted in ClinVar's aggregate classification.

Women's Health and Genetics/Laboratory Corporation of America, LabCorp
Classification: Pathogenic. Last evaluated: 2017-09-13. Review status: criteria provided, single submitter. Criteria: LabCorp Variant Classification Summary - May 2015. Collection method: clinical testing. Allele origin: germline. Not counted in ClinVar's aggregate classification.
Comment: Variant summary: The CFTR c.1558G>T (p.Val520Phe) variant located in the P-loop containing nucleoside triphosphate hydrolase (via InterPro) involves the alteration of a conserved nucleotide and 5/5 in silico tools predict a damaging outcome for this variant. This variant was found in 2/276844 control chromosomes at a frequency of 0.0000072, which does not exceed the estimated maximal expected allele frequency of a pathogenic CFTR variant (0.0129603). The variant of interest has been reported in multiple affected CF pts (Sosnay_2013). A function study, Van Goor_2013, found the variant to significantly affect CFTR processing and Cl- transport. In addition, multiple clinical diagnostic laboratories/reputable databases classified this variant as pathogenic. Taken together, this variant is classified as pathogenic.

Baylor Genetics
Classification: Pathogenic for Congenital bilateral aplasia of vas deferens from CFTR mutation; Cystic fibrosis. Review status: criteria provided, single submitter. Criteria: ACMG Guidelines, 2015. Collection method: clinical testing. Allele origin: germline. Not counted in ClinVar's aggregate classification.

OMIM
Classification: Pathogenic for CYSTIC FIBROSIS. Last evaluated: 1992-04-01. Review status: no assertion criteria provided. Collection method: literature only. Allele origin: germline. Not counted in ClinVar's aggregate classification.

Diagnostic Laboratory, Department of Genetics, University Medical Center Groningen
Classification: Pathogenic. Review status: no assertion criteria provided. Collection method: clinical testing. Allele origin: germline. Affected: yes. Study: VKGL Data-share Consensus. Not counted in ClinVar's aggregate classification.

Joint Genome Diagnostic Labs from Nijmegen and Maastricht, Radboudumc and MUMC+
Classification: Pathogenic. Review status: no assertion criteria provided. Collection method: clinical testing. Allele origin: germline. Affected: yes. Study: VKGL Data-share Consensus. Not counted in ClinVar's aggregate classification.

Literature cited by the submitters: PubMed 1284466 (cited by 4 submitters); PubMed 1376016 (cited by Labcorp Genetics (formerly Invitae), Labcorp); PubMed 22658665 (cited by Labcorp Genetics (formerly Invitae), Labcorp); PubMed 23974870 (cited by 4 submitters); PubMed 23891399 (cited by 3 submitters); PubMed 30888834 (cited by Natera, Inc.); PubMed 15480987 (cited by Ambry Genetics); PubMed 18456578 (cited by Myriad Genetics, Inc.).